The following is an entry in ClinVar:

ClinVar aggregate classification (germline): Conflicting classifications of pathogenicity. Review status: criteria provided, conflicting classifications (1 of 4 stars). 7 submissions from 6 submitters: Uncertain significance (1); Benign (3); Likely benign (3). Last evaluated 2025-12-19.

Conditions:
Inborn genetic diseases. Identifiers: MedGen C0950123, MeSH D030342.
Dystonia 9 (DYT9). Also called: CHOREOATHETOSIS, KINESIGENIC, WITH EPISODIC ATAXIA AND SPASTICITY. Identifiers: Orphanet 53583, MedGen C1832855, MONDO:0010983, OMIM 601042.
Encephalopathy due to GLUT1 deficiency. Also called: GLUCOSE TRANSPORT DEFECT, BLOOD-BRAIN BARRIER; Glucose transporter protein syndrome; De Vivo disease; GLUT1 deficiency syndrome 1; GLUT1 deficiency syndrome 1, infantile onset, severe; Classic Glucose Transporter Type 1 Deficiency Syndrome. Identifiers: Orphanet 71277, MedGen C4551966, MONDO:0011724, OMIM 606777.
GLUT1 deficiency syndrome 1, autosomal recessive. Identifiers: MedGen C3149117.

Allele frequency attached by ClinVar (database versions not stated): gnomAD 0.00013 and 0.00008; TOPMed 0.00017; ExAC 0.00020; gnomAD exomes 0.00024 and 0.00007; 1000 Genomes Project 30x 0.00078; 1000 Genomes Project 0.00100.
gnomAD v4.1: 127 of 1,613,428 alleles (0.0079%); highest among the groups gnomAD compares: East Asian, 0.26%; no homozygotes.

Submissions (7):

Labcorp Genetics (formerly Invitae), Labcorp
Classification: Benign for GLUT1 deficiency syndrome 1, autosomal recessive. Last evaluated: 2025-12-19. Review status: criteria provided, single submitter. Criteria: Invitae Variant Classification Sherloc (09022015). Collection method: clinical testing. Allele origin: germline.

Blueprint Genetics
Classification: Likely benign. Last evaluated: 2022-04-08. Review status: criteria provided, single submitter. Criteria: ACMG Guidelines, 2015. Collection method: clinical testing. Allele origin: germline.

GeneDx
Classification: Likely benign. Last evaluated: 2018-05-07. Review status: criteria provided, single submitter. Criteria: GeneDx Variant Classification (06012015). Collection method: clinical testing. Allele origin: germline. Affected: yes.
Comment: This variant is considered likely benign or benign based on one or more of the following criteria: it is a conservative change, it occurs at a poorly conserved position in the protein, it is predicted to be benign by multiple in silico algorithms, and/or has population frequency not consistent with disease.

Ambry Genetics
Classification: Likely benign for Inborn genetic diseases. Last evaluated: 2018-03-20. Review status: criteria provided, single submitter. Criteria: Ambry Variant Classification Scheme 2023. Collection method: clinical testing. Allele origin: germline.

Illumina Laboratory Services, Illumina
Classification: Benign for Encephalopathy due to GLUT1 deficiency. Last evaluated: 2018-01-12. Review status: criteria provided, single submitter. Criteria: ICSL Variant Classification Criteria 13 December 2019. Collection method: clinical testing. Allele origin: germline.
Comment: This variant was observed in the ICSL laboratory as part of a predisposition screen in an ostensibly healthy population. It had not been previously curated by ICSL or reported in the Human Gene Mutation Database (HGMD: prior to June 1st, 2018), and was therefore a candidate for classification through an automated scoring system. Utilizing variant allele frequency, disease prevalence and penetrance estimates, and inheritance mode, an automated score was calculated to assess if this variant is too frequent to cause the disease. Based on the score and internal cut-off values, a variant classified as benign is not then subjected to further curation. The score for this variant resulted in a classification of benign for this disease.

Illumina Laboratory Services, Illumina
Classification: Benign for Dystonia 9. Last evaluated: 2018-01-12. Review status: criteria provided, single submitter. Criteria: ICSL Variant Classification Criteria 13 December 2019. Collection method: clinical testing. Allele origin: germline.
Comment: the same text as in the submission from Illumina Laboratory Services, Illumina above.

Eurofins Ntd Llc (ga)
Classification: Uncertain significance. Last evaluated: 2016-03-31. Review status: criteria provided, single submitter. Criteria: EGL Classification Definitions 2015. Collection method: clinical testing. Allele origin: germline. Observed: 1 variant allele, 1 heterozygote.

NM_006516.4(SLC2A1):c.987G>A (p.Glu329=)

Gene: SLC2A1 (solute carrier family 2 member 1; minus strand). Cytogenetic location: 1p34.2.
Variant type: single nucleotide variant.
Coding change: c.987G>A on transcript NM_006516.4 (MANE Select); coding-DNA position 987, G replaced by A.
Protein change: p.Glu329=; no amino-acid change (glutamic acid 329 retained).
Molecular consequence: synonymous variant.
Genome position (GRCh38, 1-based): chr1:42,929,019, C>T on the plus strand (G>A on the coding strand, the complement: SLC2A1 is on the minus strand). VCF-style: chr1-42929019-C-T. GRCh37 (hg19) VCF-style: chr1-43394690-C-T.
Identifiers: ClinVar variation 286943 (VCV000286943.23), dbSNP rs201989024, ClinGen allele CA803373.